The following is an entry in ClinVar:

NM_212482.4(FN1):c.4069+3G>A

Gene: FN1 (fibronectin 1; minus strand). Cytogenetic location: 2q35.
Variant type: single nucleotide variant.
Coding change: c.4069+3G>A on transcript NM_212482.4 (MANE Select); 3 bases into the intron after coding-DNA position 4069, G replaced by A.
Molecular consequence: intron variant.
Genome position (GRCh38, 1-based): chr2:215,392,928, C>T on the plus strand (G>A on the coding strand, the complement: FN1 is on the minus strand). VCF-style: chr2-215392928-C-T. GRCh37 (hg19) VCF-style: chr2-216257651-C-T.
Other names: c.3797-1114G>A (NM_212474.3, NM_001306132.2, NM_001365523.2 and 7 more transcripts); c.4069+3G>A (NM_001306130.2, NM_001365522.2, NM_001365519.2 and 3 more transcripts).
Identifiers: ClinVar variation 2717970 (VCV002717970.3), dbSNP rs1163969414, ClinGen allele CA645527928.

ClinVar aggregate classification (germline): Uncertain significance (1 of 4 stars; one submission).

Submission:

Labcorp Genetics (formerly Invitae), Labcorp
Classification: Uncertain significance. Last evaluated: 2023-06-25. Review status: criteria provided, single submitter. Criteria: Invitae Variant Classification Sherloc (09022015). Collection method: clinical testing. Allele origin: germline.
Comment: This sequence change falls in intron 25 of the FN1 gene. It does not directly change the encoded amino acid sequence of the FN1 protein. It affects a nucleotide within the consensus splice site. This variant is not present in population databases (gnomAD no frequency). This variant has not been reported in the literature in individuals affected with FN1-related conditions. Variants that disrupt the consensus splice site are a relatively common cause of aberrant splicing (PMID: 17576681, 9536098). Algorithms developed to predict the effect of sequence changes on RNA splicing suggest that this variant may create or strengthen a splice site. In summary, the available evidence is currently insufficient to determine the role of this variant in disease. Therefore, it has been classified as a Variant of Uncertain Significance.

Literature cited by the submitters: PubMed 17576681; PubMed 9536098.